The following is an entry in ClinVar:

ClinVar aggregate classification (germline): Uncertain significance (0 of 4 stars; one submission).

Conditions:
VPS13B-related disorder. Also called: VPS13B-related condition.

gnomAD v4.1: 2 of 1,613,626 alleles (0.00012%); highest among the groups gnomAD compares: Non-Finnish European, 0.000085%; no homozygotes.

Submission:

PreventionGenetics, part of Exact Sciences
Classification: Uncertain significance for VPS13B-related condition. Last evaluated: 2023-12-27. Review status: no assertion criteria provided. Collection method: clinical testing. Allele origin: germline.
Comment: The VPS13B c.11026G>C variant is predicted to result in the amino acid substitution p.Val3676Leu. To our knowledge, this variant has not been reported in the literature or in a large population database, indicating this variant is rare. At this time, the clinical significance of this variant is uncertain due to the absence of conclusive functional and genetic evidence.

NM_152564.5(VPS13B):c.11026G>C (p.Val3676Leu)

Gene: VPS13B (vacuolar protein sorting 13 homolog B; plus strand). Cytogenetic location: 8q22.2.
Variant type: single nucleotide variant.
Coding change: c.11026G>C on transcript NM_152564.5 (MANE Select); coding-DNA position 11026, G replaced by C.
Protein change: p.Val3676Leu; replaces valine 3676 with leucine.
Molecular consequence: missense variant.
Genome position (GRCh38, 1-based): chr8:99,859,462, G>C. VCF-style: chr8-99859462-G-C. GRCh37 (hg19) VCF-style: chr8-100871690-G-C.
Other names: c.11101G>C, p.Val3701Leu (NM_017890.5); short protein forms V3676L, V3701L.
Identifiers: ClinVar variation 3349629 (VCV003349629.1).
Genomic context (GRCh38, chr8:99,859,462, plus strand): 5'-GGGCTGACCCGGGGCCCTGGAGCCTTCGTGAGTGGCGTCTCCAGAGGGACCACATCGTTT[G>C]TAAAGCACATCTCCAAAGGTAGCGGGTTCCGTTCCTTGTAATAATGCCTTCACTCCTTCC-3'
Protein context (NP_689777.3, residues 3666-3686): SGVSRGTTSF[Val3676Leu]KHISKGTLTS